The following is an entry in ClinVar:

ClinVar aggregate classification (germline): Uncertain significance (1 of 4 stars; one submission).

Conditions:
Inborn genetic diseases. Identifiers: MedGen C0950123, MeSH D030342.

Allele frequency attached by ClinVar (database versions not stated): gnomAD exomes below 0.00001; TOPMed 0.00001; gnomAD 0.00002.
gnomAD v4.1: 4 of 1,597,740 alleles (0.00025%); highest among the groups gnomAD compares: African/African-American, 0.0054%; no homozygotes.

Submission:

Ambry Genetics
Classification: Uncertain significance for Inborn genetic diseases. Last evaluated: 2023-09-23. Review status: criteria provided, single submitter. Criteria: Ambry Variant Classification Scheme 2023. Collection method: clinical testing. Allele origin: germline.
Comment: The p.Q661E variant (also known as c.1981C>G), located in coding exon 12 of the PIK3CA gene, results from a C to G substitution at nucleotide position 1981. The glutamine at codon 661 is replaced by glutamic acid, an amino acid with highly similar properties. This amino acid position is conserved. In addition, the in silico prediction for this alteration is inconclusive. Since supporting evidence is limited at this time, the clinical significance of this alteration remains unclear.

NM_006218.4(PIK3CA):c.1981C>G (p.Gln661Glu)

Gene: PIK3CA (phosphatidylinositol-4,5-bisphosphate 3-kinase catalytic subunit alpha; plus strand). Cytogenetic location: 3q26.32.
Variant type: single nucleotide variant.
Coding change: c.1981C>G on transcript NM_006218.4 (MANE Select); coding-DNA position 1981, C replaced by G.
Protein change: p.Gln661Glu; replaces glutamine 661 with glutamic acid.
Molecular consequence: missense variant.
Genome position (GRCh38, 1-based): chr3:179,220,018, C>G. VCF-style: chr3-179220018-C-G. GRCh37 (hg19) VCF-style: chr3-178937806-C-G.
Other names: short protein forms Q661E.
Identifiers: ClinVar variation 1783814 (VCV001783814.2), dbSNP rs1175399043, ClinGen allele CA355267340.
Genomic context (GRCh38, chr3:179,220,018, plus strand): 5'-TATGAACAATATTTGGATAACTTGCTTGTGAGATTTTTACTGAAGAAAGCATTGACTAAT[C>G]AAAGGATTGGGCACTTTTTCTTTTGGCATTTAAAGTAAGTCTAATTATTTTCCCATTAAA-3'
Protein context (NP_006209.2, residues 651-671): RFLLKKALTN[Gln661Glu]RIGHFFFWHL